The following is an entry in ClinVar:

NM_000059.4(BRCA2):c.365C>G (p.Thr122Ser)

Gene: BRCA2 (BRCA2 DNA repair associated; plus strand). Cytogenetic location: 13q13.1.
Variant type: single nucleotide variant.
Coding change: c.365C>G on transcript NM_000059.4 (MANE Select); coding-DNA position 365, C replaced by G.
Protein change: p.Thr122Ser; replaces threonine 122 with serine.
Molecular consequence: missense variant.
Genome position (GRCh38, 1-based): chr13:32,325,124, C>G. VCF-style: chr13-32325124-C-G. GRCh37 (hg19) VCF-style: chr13-32899261-C-G.
Other names: short protein forms T122S.
Identifiers: ClinVar variation 1360088 (VCV001360088.15), dbSNP rs2137446441, ClinGen allele CA387756621.

ClinVar aggregate classification (germline): Conflicting classifications of pathogenicity. Review status: criteria provided, conflicting classifications (1 of 4 stars). 2 submissions from 2 submitters: Uncertain significance (1); Likely benign (1). Last evaluated 2025-03-04.

Conditions:
Hereditary breast ovarian cancer syndrome. Also called: BRCA1- and BRCA2-Associated Hereditary Breast and Ovarian Cancer; Hereditary breast and ovarian cancer; Hereditary breast and/or ovarian cancer syndrome; Hereditary breast and ovarian cancer syndrome; Hereditary breast and ovarian cancer syndrome (HBOC); Breast and ovarian cancer. Identifiers: Orphanet 145, MedGen C0677776, MeSH D061325, MONDO:0003582. Disease mechanism: loss of function.

Allele frequency attached by ClinVar (database versions not stated): gnomAD exomes below 0.00001.
gnomAD v4.1: 1 of 1,610,052 alleles (0.000062%); highest among the groups gnomAD compares: East Asian, 0.0022%; no homozygotes.

Submissions (2):

Center for Genomic Medicine, Rigshospitalet, Copenhagen University Hospital
Classification: Likely benign. Last evaluated: 2025-03-04. Review status: criteria provided, single submitter. Criteria: ACMG Guidelines, 2015. Collection method: clinical testing. Allele origin: germline.

Labcorp Genetics (formerly Invitae), Labcorp
Classification: Uncertain significance for Hereditary breast ovarian cancer syndrome. Last evaluated: 2021-04-14. Review status: criteria provided, single submitter. Criteria: Invitae Variant Classification Sherloc (09022015). Collection method: clinical testing. Allele origin: germline.
Comment: This sequence change replaces threonine with serine at codon 122 of the BRCA2 protein (p.Thr122Ser). The threonine residue is weakly conserved and there is a small physicochemical difference between threonine and serine. In summary, the available evidence is currently insufficient to determine the role of this variant in disease. Therefore, it has been classified as a Variant of Uncertain Significance. Algorithms developed to predict the effect of sequence changes on RNA splicing suggest that this variant may create or strengthen a splice site, but this prediction has not been confirmed by published transcriptional studies. Advanced modeling of protein sequence and biophysical properties (such as structural, functional, and spatial information, amino acid conservation, physicochemical variation, residue mobility, and thermodynamic stability) performed at Invitae indicates that this missense variant is not expected to disrupt BRCA2 protein function. This variant has not been reported in the literature in individuals with BRCA2-related conditions. This variant is not present in population databases (ExAC no frequency).